The following is an entry in ClinVar:

NM_002769.5(PRSS1):c.245A>T (p.Glu82Val)

Genes: PRSS1 (serine protease 1; plus strand), TRB (T cell receptor beta locus; plus strand). Cytogenetic location: 7q34.
Variant type: single nucleotide variant.
Coding change: c.245A>T on transcript NM_002769.5 (MANE Select); coding-DNA position 245, A replaced by T.
Protein change: p.Glu82Val; replaces glutamic acid 82 with valine.
Molecular consequence: missense variant. On other transcripts: non-coding transcript variant (2).
Genome position (GRCh38, 1-based): chr7:142,751,818, A>T. VCF-style: chr7-142751818-A-T. GRCh37 (hg19) VCF-style: chr7-142459669-A-T.
Other names: short protein forms E82V.
Identifiers: ClinVar variation 3783978 (VCV003783978.1).

ClinVar aggregate classification (germline): Uncertain significance (1 of 4 stars; one submission).

Conditions:
Hereditary pancreatitis (PCTT). Also called: PRSS1-Related Hereditary Pancreatitis; Hereditary chronic pancreatitis. Identifiers: Orphanet 676, MedGen C0238339, MONDO:0008185, OMIM 167800.

Submission:

Ambry Genetics
Classification: Uncertain significance for Hereditary pancreatitis. Last evaluated: 2024-12-20. Review status: criteria provided, single submitter. Criteria: Ambry Variant Classification Scheme 2023. Collection method: clinical testing. Allele origin: germline.
Comment: The p.E82V variant (also known as c.245A>T), located in coding exon 3 of the PRSS1 gene, results from an A to T substitution at nucleotide position 245. The glutamic acid at codon 82 is replaced by valine, an amino acid with dissimilar properties. This amino acid position is conserved. In addition, this alteration is predicted to be deleterious by in silico analysis. Based on the available evidence, the clinical significance of this variant remains unclear.